The following is an entry in ClinVar:

NM_001394372.1(BICRA):c.1263G>A (p.Ala421=)

Gene: BICRA (BRD4 interacting chromatin remodeling complex associated protein; plus strand). Cytogenetic location: 19q13.33.
Variant type: single nucleotide variant.
Coding change: c.1263G>A on transcript NM_001394372.1 (MANE Select); coding-DNA position 1263, G replaced by A.
Protein change: p.Ala421=; no amino-acid change (alanine 421 retained).
Molecular consequence: synonymous variant.
Genome position (GRCh38, 1-based): chr19:47,680,433, G>A. VCF-style: chr19-47680433-G-A. GRCh37 (hg19) VCF-style: chr19-48183690-G-A.
Other names: c.1263G>A, p.Ala421= (NM_015711.3).
Identifiers: ClinVar variation 4822182 (VCV004822182.5).

ClinVar aggregate classification (germline): Likely benign. Review status: criteria provided, multiple submitters, no conflicts (2 of 4 stars). 2 submissions from 2 submitters: Likely benign (2). Last evaluated 2025-12-01.

gnomAD v4.1: 181 of 1,537,504 alleles (0.012%); highest among the groups gnomAD compares: Non-Finnish European, 0.015%; no homozygotes.

Submissions (2):

CeGaT Center for Human Genetics Tuebingen
Classification: Likely benign. Last evaluated: 2025-12-01. Review status: criteria provided, single submitter. Criteria: CeGaT Center For Human Genetics Tuebingen Variant Classification Criteria Version 2. Collection method: clinical testing. Allele origin: germline. Affected: yes. Observed: 1 variant allele.
Comment: BICRA: BP4, BP7

Blueprint Genetics
Classification: Likely benign. Last evaluated: 2024-08-09. Review status: criteria provided, single submitter. Criteria: ACMG Guidelines, 2015. Collection method: clinical testing. Allele origin: germline.